The following is an entry in ClinVar:

NM_002485.5(NBN):c.1221C>G (p.Cys407Trp)

Gene: NBN (nibrin; minus strand). Cytogenetic location: 8q21.3.
Variant type: single nucleotide variant.
Coding change: c.1221C>G on transcript NM_002485.5 (MANE Select); coding-DNA position 1221, C replaced by G.
Protein change: p.Cys407Trp; replaces cysteine 407 with tryptophan.
Molecular consequence: missense variant.
Genome position (GRCh38, 1-based): chr8:89,955,459, G>C on the plus strand (C>G on the coding strand, the complement: NBN is on the minus strand). VCF-style: chr8-89955459-G-C. GRCh37 (hg19) VCF-style: chr8-90967687-G-C.
Other names: c.975C>G, p.Cys325Trp (NM_001024688.3); short protein forms C325W, C407W.
Identifiers: ClinVar variation 2124001 (VCV002124001.5), dbSNP rs2129720470, ClinGen allele CA371656330.

ClinVar aggregate classification (germline): Uncertain significance. Review status: criteria provided, multiple submitters, no conflicts (2 of 4 stars). 2 submissions from 2 submitters: Uncertain significance (2). Last evaluated 2026-01-17.

Conditions:
Microcephaly, normal intelligence and immunodeficiency (NBS). Also called: SEEMANOVA SYNDROME II; Immunodeficiency, microcephaly with normal intelligence; IMMUNODEFICIENCY, MICROCEPHALY, AND CHROMOSOMAL INSTABILITY; Nijmegen breakage syndrome; Microcephaly with normal intelligence immunodeficiency and lymphoreticular malignancies; Nonsyndromal microcephaly autosomal recessive with normal intelligence. Identifiers: Orphanet 647, MedGen C0398791, MONDO:0009623, OMIM 251260.
Hereditary cancer-predisposing syndrome. Also called: Neoplastic Syndromes, Hereditary; Tumor predisposition; Hereditary Cancer Syndrome; Hereditary neoplastic syndrome. Identifiers: Orphanet 140162, MedGen C0027672, MeSH D009386, MONDO:0015356.

Submissions (2):

Ambry Genetics
Classification: Uncertain significance for Hereditary cancer-predisposing syndrome. Last evaluated: 2026-01-17. Review status: criteria provided, single submitter. Criteria: Ambry Variant Classification Scheme 2023. Collection method: clinical testing. Allele origin: germline.
Comment: The p.C407W variant (also known as c.1221C>G), located in coding exon 10 of the NBN gene, results from a C to G substitution at nucleotide position 1221. The cysteine at codon 407 is replaced by tryptophan, an amino acid with highly dissimilar properties. This amino acid position is conserved. In addition, this alteration is predicted to be tolerated by in silico analysis. Based on the available evidence, the clinical significance of this variant remains unclear.

Labcorp Genetics (formerly Invitae), Labcorp
Classification: Uncertain significance for Microcephaly, normal intelligence and immunodeficiency. Last evaluated: 2022-04-10. Review status: criteria provided, single submitter. Criteria: Invitae Variant Classification Sherloc (09022015). Collection method: clinical testing. Allele origin: germline.
Comment: In summary, the available evidence is currently insufficient to determine the role of this variant in disease. Therefore, it has been classified as a Variant of Uncertain Significance. Algorithms developed to predict the effect of missense changes on protein structure and function are either unavailable or do not agree on the potential impact of this missense change (SIFT: "Deleterious"; PolyPhen-2: "Benign"; Align-GVGD: "Class C0"). This sequence change replaces cysteine, which is neutral and slightly polar, with tryptophan, which is neutral and slightly polar, at codon 407 of the NBN protein (p.Cys407Trp). This variant is not present in population databases (gnomAD no frequency). This variant has not been reported in the literature in individuals affected with NBN-related conditions.